The following is an entry in ClinVar:

ClinVar aggregate classification (germline): Benign (0 of 4 stars; one submission).

Conditions:
IL12RB1-related disorder. Also called: IL12RB1-related condition.

Allele frequency attached by ClinVar (database versions not stated): TOPMed 0.00497; 1000 Genomes Project 0.00519; gnomAD exomes 0.00062; 1000 Genomes Project 30x 0.00593; ExAC 0.00065; gnomAD 0.00472.
gnomAD v4.1: 915 of 456,696 alleles (0.2%); highest among the groups gnomAD compares: African/African-American, 1.6%; 11 homozygotes.

Submission:

PreventionGenetics, part of Exact Sciences
Classification: Benign for IL12RB1-related condition. Last evaluated: 2024-01-11. Review status: no assertion criteria provided. Collection method: clinical testing. Allele origin: germline.
Comment: This variant is classified as benign based on ACMG/AMP sequence variant interpretation guidelines (Richards et al. 2015 PMID: 25741868, with internal and published modifications).

NC_000019.10:g.18098768A>G

Genes: IL12RB1 (interleukin 12 receptor subunit beta 1; minus strand), MAST3 (microtubule associated serine/threonine kinase 3; plus strand). Cytogenetic location: 19p13.11.
Variant type: single nucleotide variant.
Molecular consequence: intron variant (on NM_001393504.1). On other transcripts: 5 prime UTR variant (3).
Genome position: GRCh38 VCF-style: chr19-18098768-A-G. GRCh37 (hg19) VCF-style: chr19-18209578-A-G.
Other names: c.-3T>C (NM_001290024.2, NM_001440426.1, NM_001440427.1); c.39+937A>G (NM_001393501.1, NM_001393502.1, NM_001393504.1 and 9 more transcripts).
Identifiers: ClinVar variation 3040488 (VCV003040488.2), dbSNP rs113371765, ClinGen allele CA9305445.